The following is an entry in ClinVar:

NM_000316.3(PTH1R):c.746C>T (p.Thr249Met)

Gene: PTH1R (parathyroid hormone 1 receptor; plus strand). Cytogenetic location: 3p21.31.
Variant type: single nucleotide variant.
Coding change: c.746C>T on transcript NM_000316.3 (MANE Select); coding-DNA position 746, C replaced by T.
Protein change: p.Thr249Met; replaces threonine 249 with methionine.
Molecular consequence: missense variant.
Genome position (GRCh38, 1-based): chr3:46,898,769, C>T. VCF-style: chr3-46898769-C-T. GRCh37 (hg19) VCF-style: chr3-46940259-C-T.
Other names: c.746C>T, p.Thr249Met (NM_001184744.1); short protein forms T249M.
Identifiers: ClinVar variation 1986534 (VCV001986534.5), dbSNP rs745456126, ClinGen allele CA2359303.

ClinVar aggregate classification (germline): Uncertain significance. Review status: criteria provided, multiple submitters, no conflicts (2 of 4 stars). 2 submissions from 2 submitters: Uncertain significance (2). Last evaluated 2024-02-27.

Conditions:
Primary failure of tooth eruption. Also called: DENTAL NONERUPTION; PRIMARY RETENTION OF TEETH; UNERUPTED SECOND PRIMARY MOLAR; POSTERIOR OPENBITE MALOCCLUSION, FAMILIAL. Identifiers: Orphanet 412206, MedGen C1852222, MONDO:0007434, OMIM 125350.
Chondrodysplasia Blomstrand type (BOCD). Identifiers: Orphanet 50945, MedGen C1859148, MONDO:0008970, OMIM 215045.
Eiken syndrome (EKNS). Also called: BONE MODELING DEFECT OF HANDS AND FEET. Identifiers: Orphanet 79106, MedGen C1838779, MONDO:0010803, OMIM 600002.
Metaphyseal chondrodysplasia, Jansen type. Also called: PTH1R-Related Jansen Metaphyseal Chondrodysplasia; Metaphyseal chondrodysplasia Murk Jansen type. Identifiers: Orphanet 33067, MedGen C0265295, MONDO:0007982, OMIM 156400.

Allele frequency attached by ClinVar (database versions not stated): gnomAD 0.00001; gnomAD exomes 0.00001; TOPMed 0.00002; ExAC 0.00003.
gnomAD v4.1: 5 of 1,605,436 alleles (0.00031%); highest among the groups gnomAD compares: East Asian, 0.011%; no homozygotes.

Submissions (2):

Fulgent Genetics
Classification: Uncertain significance for Primary failure of tooth eruption; Metaphyseal chondrodysplasia, Jansen type; Chondrodysplasia Blomstrand type; Eiken syndrome. Last evaluated: 2024-02-27. Review status: criteria provided, single submitter. Criteria: ACMG Guidelines, 2015. Collection method: clinical testing. Allele origin: germline.

Labcorp Genetics (formerly Invitae), Labcorp
Classification: Uncertain significance. Last evaluated: 2022-04-07. Review status: criteria provided, single submitter. Criteria: Invitae Variant Classification Sherloc (09022015). Collection method: clinical testing. Allele origin: germline.
Comment: Algorithms developed to predict the effect of missense changes on protein structure and function are either unavailable or do not agree on the potential impact of this missense change (SIFT: "Deleterious"; PolyPhen-2: "Benign"; Align-GVGD: "Class C65"). In summary, the available evidence is currently insufficient to determine the role of this variant in disease. Therefore, it has been classified as a Variant of Uncertain Significance. This variant is present in population databases (rs745456126, gnomAD 0.02%). This sequence change replaces threonine, which is neutral and polar, with methionine, which is neutral and non-polar, at codon 249 of the PTH1R protein (p.Thr249Met). This variant has not been reported in the literature in individuals affected with PTH1R-related conditions.